The following is an entry in ClinVar:

NM_020822.3(KCNT1):c.1852G>C (p.Ala618Pro)

Gene: KCNT1 (potassium sodium-activated channel subfamily T member 1; plus strand). Cytogenetic location: 9q34.3.
Variant type: single nucleotide variant.
Coding change: c.1852G>C on transcript NM_020822.3 (MANE Select); coding-DNA position 1852, G replaced by C.
Protein change: p.Ala618Pro; replaces alanine 618 with proline.
Molecular consequence: missense variant.
Genome position (GRCh38, 1-based): chr9:135,770,939, G>C. VCF-style: chr9-135770939-G-C. GRCh37 (hg19) VCF-style: chr9-138662785-G-C.
Other names: c.1717G>C, p.Ala573Pro (NM_001272003.2); short protein forms A573P, A618P.
Identifiers: ClinVar variation 1716816 (VCV001716816.6), dbSNP rs756996609, ClinGen allele CA375508273.

ClinVar aggregate classification (germline): Uncertain significance (1 of 4 stars; one submission).

Conditions:
Developmental and epileptic encephalopathy, 14 (DEE14). Also called: Early infantile epileptic encephalopathy 14. Identifiers: Orphanet 293181, MedGen C3554195, MONDO:0013989, OMIM 614959.
Autosomal dominant nocturnal frontal lobe epilepsy 5. Also called: KCNT1-Related Epilepsy; Epilepsy, nocturnal frontal lobe, 5; CILIARY DYSKINESIA, PRIMARY, 28, WITHOUT SITUS INVERSUS; CILIARY DYSKINESIA, PRIMARY, 28, WITH SITUS INVERSUS. Identifiers: Orphanet 98784, MedGen C3554306, MONDO:0014002, OMIM 615005.

Submission:

Labcorp Genetics (formerly Invitae), Labcorp
Classification: Uncertain significance for Autosomal dominant nocturnal frontal lobe epilepsy 5; Developmental and epileptic encephalopathy, 14. Last evaluated: 2024-10-23. Review status: criteria provided, single submitter. Criteria: Invitae Variant Classification Sherloc (09022015). Collection method: clinical testing. Allele origin: germline.
Comment: This sequence change replaces alanine, which is neutral and non-polar, with proline, which is neutral and non-polar, at codon 618 of the KCNT1 protein (p.Ala618Pro). This variant is not present in population databases (gnomAD no frequency). This variant has not been reported in the literature in individuals affected with KCNT1-related conditions. ClinVar contains an entry for this variant (Variation ID: 1716816). Invitae Evidence Modeling of protein sequence and biophysical properties (such as structural, functional, and spatial information, amino acid conservation, physicochemical variation, residue mobility, and thermodynamic stability) indicates that this missense variant is not expected to disrupt KCNT1 protein function with a negative predictive value of 80%. In summary, the available evidence is currently insufficient to determine the role of this variant in disease. Therefore, it has been classified as a Variant of Uncertain Significance.